The following is an entry in ClinVar:

NM_001330360.2(POLA1):c.2905T>C (p.Ser969Pro)

Gene: POLA1 (DNA polymerase alpha 1, catalytic subunit; plus strand). Cytogenetic location: Xp22.11.
Variant type: single nucleotide variant.
Coding change: c.2905T>C on transcript NM_001330360.2 (MANE Select); coding-DNA position 2905, T replaced by C.
Protein change: p.Ser969Pro; replaces serine 969 with proline.
Molecular consequence: missense variant. On other transcripts: non-coding transcript variant (2).
Genome position (GRCh38, 1-based): chrX:24,748,933, T>C. VCF-style: chrX-24748933-T-C. GRCh37 (hg19) VCF-style: chrX-24767050-T-C.
Other names: c.2830T>C, p.Ser944Pro (NM_001378303.1); c.2887T>C, p.Ser963Pro (NM_016937.4); short protein forms S944P, S963P, S969P.
Identifiers: ClinVar variation 3367649 (VCV003367649.1).

ClinVar aggregate classification (germline): Uncertain significance (1 of 4 stars; one submission).

Submission:

GeneDx
Classification: Uncertain significance. Last evaluated: 2024-01-17. Review status: criteria provided, single submitter. Criteria: GeneDx Variant Classification Process June 2021. Collection method: clinical testing. Allele origin: germline. Affected: yes.
Comment: Not observed at significant frequency in large population cohorts (gnomAD); In silico analysis supports that this missense variant has a deleterious effect on protein structure/function; Has not been previously published as pathogenic or benign to our knowledge